The following is an entry in ClinVar:

NM_015474.4(SAMHD1):c.124_126del (p.Tyr42del)

Gene: SAMHD1 (SAM and HD domain containing deoxynucleoside triphosphate triphosphohydrolase 1; minus strand). Cytogenetic location: 20q11.23.
Variant type: Deletion.
Coding change: c.124_126del on transcript NM_015474.4 (MANE Select); coding-DNA positions 124 to 126, 3 bases deleted (TAC; older notation c.124_126delTAC).
Protein change: p.Tyr42del; deletes tyrosine 42.
Molecular consequence: inframe deletion.
Genome position (GRCh38, 1-based): chr20:36,951,518-36,951,520, GTA deleted on the plus strand (TAC on the coding strand, the reverse complement: SAMHD1 is on the minus strand); deleting any 3 consecutive bases within chr20:36,951,518-36,951,522 gives the same sequence; the c. name uses the placement nearest the transcript's 3' end. VCF-style (leftmost placement, unchanged base first): chr20-36951517-TGTA-T. GRCh37 (hg19) VCF-style: chr20-35579920-TGTA-T.
Other names: c.124_126del, p.Tyr42del (NM_001363729.2, NM_001363733.2); short protein forms Y42del.
Identifiers: ClinVar variation 2103084 (VCV002103084.4), dbSNP rs2515286094, ClinGen allele CA2580098166.

ClinVar aggregate classification (germline): Uncertain significance (1 of 4 stars; one submission).

Conditions:
Aicardi-Goutieres syndrome 5. Identifiers: Orphanet 51, MedGen C2749659, MONDO:0013059, OMIM 612952.

Submission:

Labcorp Genetics (formerly Invitae), Labcorp
Classification: Uncertain significance for Aicardi-Goutieres syndrome 5. Last evaluated: 2022-02-24. Review status: criteria provided, single submitter. Criteria: Invitae Variant Classification Sherloc (09022015). Collection method: clinical testing. Allele origin: germline.
Comment: In summary, the available evidence is currently insufficient to determine the role of this variant in disease. Therefore, it has been classified as a Variant of Uncertain Significance. Experimental studies and prediction algorithms are not available or were not evaluated, and the functional significance of this variant is currently unknown. This variant has not been reported in the literature in individuals affected with SAMHD1-related conditions. This variant is not present in population databases (gnomAD no frequency). This variant, c.124_126del, results in the deletion of 1 amino acid(s) of the SAMHD1 protein (p.Tyr42del), but otherwise preserves the integrity of the reading frame.